The following is an entry in ClinVar:

ClinVar aggregate classification (germline): Uncertain significance (1 of 4 stars; one submission).

Allele frequency attached by ClinVar (database versions not stated): ExAC 0.00001; gnomAD 0.00001; gnomAD exomes 0.00001; TOPMed 0.00001.
gnomAD v4.1: 19 of 1,613,802 alleles (0.0012%); highest among the groups gnomAD compares: Non-Finnish European, 0.0015%; no homozygotes.

Submission:

Labcorp Genetics (formerly Invitae), Labcorp
Classification: Uncertain significance. Last evaluated: 2023-05-09. Review status: criteria provided, single submitter. Criteria: Invitae Variant Classification Sherloc (09022015). Collection method: clinical testing. Allele origin: germline.
Comment: This sequence change replaces glycine, which is neutral and non-polar, with arginine, which is basic and polar, at codon 1278 of the MACF1 protein (p.Gly1278Arg). In summary, the available evidence is currently insufficient to determine the role of this variant in disease. Therefore, it has been classified as a Variant of Uncertain Significance. Algorithms developed to predict the effect of missense changes on protein structure and function output the following: SIFT: "Not Available"; PolyPhen-2: "Benign"; Align-GVGD: "Not Available". The arginine amino acid residue is found in multiple mammalian species, which suggests that this missense change does not adversely affect protein function. This variant has not been reported in the literature in individuals affected with MACF1-related conditions. This variant is present in population databases (rs764642578, gnomAD 0.002%).

NM_001394062.1(MACF1):c.3817G>C (p.Gly1273Arg)

Gene: MACF1 (microtubule actin crosslinking factor 1; plus strand). Cytogenetic location: 1p34.3.
Variant type: single nucleotide variant.
Coding change: c.3817G>C on transcript NM_001394062.1 (MANE Select); coding-DNA position 3817, G replaced by C.
Protein change: p.Gly1273Arg; replaces glycine 1273 with arginine.
Molecular consequence: missense variant.
Genome position (GRCh38, 1-based): chr1:39,318,487, G>C. VCF-style: chr1-39318487-G-C. GRCh37 (hg19) VCF-style: chr1-39784159-G-C.
Other names: c.3832G>C, p.Gly1278Arg (NM_012090.5); short protein forms G1273R, G1278R.
Identifiers: ClinVar variation 2868949 (VCV002868949.3), dbSNP rs764642578, ClinGen allele CA780091.